The following is an entry in ClinVar:

ClinVar aggregate classification (germline): Uncertain significance (1 of 4 stars; one submission).

Conditions:
Niemann-Pick disease, type B. Also called: Chronic Visceral ASMD (Niemann-Pick Disease Type B; NPD-B). Identifiers: Orphanet 77293, MedGen C0268243, MONDO:0011871, OMIM 607616. Disease mechanism: loss of function.

Submission:

Baylor Genetics
Classification: Uncertain significance for Niemann-Pick disease, type B. Last evaluated: 2019-08-08. Review status: criteria provided, single submitter. Criteria: ACMG Guidelines, 2015. Collection method: clinical testing. Allele origin: unknown. Affected: yes.
Comment: This variant was determined to be of uncertain significance according to ACMG Guidelines, 2015 [PMID:25741868].

NM_000543.5(SMPD1):c.273C>G (p.Cys91Trp)

Gene: SMPD1 (sphingomyelin phosphodiesterase 1; plus strand). Cytogenetic location: 11p15.4.
Variant type: single nucleotide variant.
Coding change: c.273C>G on transcript NM_000543.5 (MANE Select); coding-DNA position 273, C replaced by G.
Protein change: p.Cys91Trp; replaces cysteine 91 with tryptophan.
Molecular consequence: missense variant. On other transcripts: 5 prime UTR variant (1), non-coding transcript variant (2).
Genome position (GRCh38, 1-based): chr11:6,390,871, C>G. VCF-style: chr11-6390871-C-G. GRCh37 (hg19) VCF-style: chr11-6412101-C-G.
Other names: c.273C>G, p.Cys91Trp (NM_001007593.3, NM_001318087.2, NM_001365135.2); c.-689C>G (NM_001318088.2); short protein forms C91W.
Identifiers: ClinVar variation 1028333 (VCV001028333.1), dbSNP rs1847877445, ClinGen allele CA379368392.